The following is an entry in ClinVar:

NM_021098.3(CACNA1H):c.6831T>A (p.Ser2277Arg)

Gene: CACNA1H (calcium voltage-gated channel subunit alpha1 H; plus strand). Cytogenetic location: 16p13.3.
Variant type: single nucleotide variant.
Coding change: c.6831T>A on transcript NM_021098.3 (MANE Select); coding-DNA position 6831, T replaced by A.
Protein change: p.Ser2277Arg; replaces serine 2277 with arginine.
Molecular consequence: missense variant.
Genome position (GRCh38, 1-based): chr16:1,220,763, T>A. VCF-style: chr16-1220763-T-A. GRCh37 (hg19) VCF-style: chr16-1270763-T-A.
Other names: c.6813T>A, p.Ser2271Arg (NM_001005407.2); short protein forms S2271R, S2277R.
Identifiers: ClinVar variation 4787908 (VCV004787908.1).
Genomic context (GRCh38, chr16:1,220,763, plus strand): 5'-GGCTGAGCACCTGACCGTCCCCAGCTTTGCCTTTGAGCCGCTGGACCTCGGGGTCCCCAG[T>A]GGAGACCCTTTCTTGGACGGTAGCCACAGTGTGACCCCAGAATCCAGAGCTTCCTCTTCA-3'
Protein context (NP_066921.2, residues 2267-2287): AFEPLDLGVP[Ser2277Arg]GDPFLDGSHS

ClinVar aggregate classification (germline): Uncertain significance (1 of 4 stars; one submission).

Conditions:
Idiopathic generalized epilepsy. Also called: EIG; Generalised epilepsy. Identifiers: MedGen C0270850, MONDO:0005579, OMIM 600669.
Hyperaldosteronism, familial, type IV (HALD4). Also called: FH IV; ALDOSTERONISM, PRIMARY, AND HYPERTENSION. Identifiers: Orphanet 642671, MedGen C4310756, MONDO:0014875, OMIM 617027.

gnomAD v4.1: 8 of 1,612,334 alleles (0.0005%); highest among the groups gnomAD compares: Non-Finnish European, 0.00059%; no homozygotes.

Submission:

Labcorp Genetics (formerly Invitae), Labcorp
Classification: Uncertain significance for Idiopathic generalized epilepsy; Hyperaldosteronism, familial, type IV. Last evaluated: 2025-07-13. Review status: criteria provided, single submitter. Criteria: Invitae Variant Classification Sherloc (09022015). Collection method: clinical testing. Allele origin: germline.
Comment: This sequence change replaces serine, which is neutral and polar, with arginine, which is basic and polar, at codon 2277 of the CACNA1H protein (p.Ser2277Arg). This variant is present in population databases (rs772341545, gnomAD 0.0009%). This variant has not been reported in the literature in individuals affected with CACNA1H-related conditions. Invitae Evidence Modeling of protein sequence and biophysical properties (such as structural, functional, and spatial information, amino acid conservation, physicochemical variation, residue mobility, and thermodynamic stability) indicates that this missense variant is not expected to disrupt CACNA1H protein function with a negative predictive value of 95%. In summary, the available evidence is currently insufficient to determine the role of this variant in disease. Therefore, it has been classified as a Variant of Uncertain Significance.